The following is an entry in ClinVar:

ClinVar aggregate classification (germline): Uncertain significance (1 of 4 stars; one submission).

gnomAD v4.1: 1 of 1,614,078 alleles (0.000062%); highest among the groups gnomAD compares: South Asian, 0.0011%; no homozygotes.

Submission:

Women's Health and Genetics/Laboratory Corporation of America, LabCorp
Classification: Uncertain significance. Last evaluated: 2026-05-29. Review status: criteria provided, single submitter. Criteria: LabCorp Variant Classification Summary - May 2015. Collection method: clinical testing. Allele origin: germline.
Comment: Variant summary: VPS13A c.6625G>A (p.Val2209Met) results in a conservative amino acid change in the encoded protein sequence. Algorithms developed to predict the effect of missense changes on protein structure and function are either unavailable or do not agree on the potential impact of this missense change. The variant was absent in 251260 control chromosomes. The available data on variant occurrences in the general population are insufficient to allow any conclusion about variant significance. To our knowledge, no occurrence of c.6625G>A in individuals affected with VPS13A-related conditions and no experimental evidence demonstrating its impact on protein function have been reported. No submitters have cited clinical-significance assessments for this variant to ClinVar. Based on the evidence outlined above, the variant was classified as uncertain significance.

NM_033305.3(VPS13A):c.6625G>A (p.Val2209Met)

Gene: VPS13A (vacuolar protein sorting 13 homolog A; plus strand). Cytogenetic location: 9q21.2.
Variant type: single nucleotide variant.
Coding change: c.6625G>A on transcript NM_033305.3 (MANE Select); coding-DNA position 6625, G replaced by A.
Protein change: p.Val2209Met; replaces valine 2209 with methionine.
Molecular consequence: missense variant.
Genome position (GRCh38, 1-based): chr9:77,339,762, G>A. VCF-style: chr9-77339762-G-A. GRCh37 (hg19) VCF-style: chr9-79954678-G-A.
Other names: c.6508G>A, p.Val2170Met (NM_001018037.2); c.6625G>A, p.Val2209Met (NM_001018038.3, NM_015186.4); short protein forms V2170M, V2209M.
Identifiers: ClinVar variation 4853037 (VCV004853037.1).